The following is an entry in ClinVar:

NM_001692.4(ATP6V1B1):c.273+1G>C

Gene: ATP6V1B1 (ATPase H+ transporting V1 subunit B1; plus strand). Cytogenetic location: 2p13.3.
Variant type: single nucleotide variant.
Coding change: c.273+1G>C on transcript NM_001692.4 (MANE Select); the canonical splice donor site of the intron after coding-DNA position 273, G replaced by C.
Molecular consequence: splice donor variant.
Genome position (GRCh38, 1-based): chr2:70,958,145, G>C. VCF-style: chr2-70958145-G-C. GRCh37 (hg19) VCF-style: chr2-71185275-G-C.
Identifiers: ClinVar variation 2032307 (VCV002032307.4), dbSNP rs2466284280, ClinGen allele CA347180898.
Genomic context (GRCh38, chr2:70,958,145, plus strand): 5'-GATGGGACTCAGAGGAGCGGGCAGGTGCTTGAGGTGGCTGGCACCAAGGCGATTGTTCAG[G>C]TGAGTGGGGTCAATGGGACATTGGCTAGTTAAATCAATGAATTAACCCATAAAGTTCCCA-3'

ClinVar aggregate classification (germline): Likely pathogenic (1 of 4 stars; one submission).

Submission:

Labcorp Genetics (formerly Invitae), Labcorp
Classification: Likely pathogenic. Last evaluated: 2021-12-03. Review status: criteria provided, single submitter. Criteria: Invitae Variant Classification Sherloc (09022015). Collection method: clinical testing. Allele origin: germline.
Comment: In summary, the currently available evidence indicates that the variant is pathogenic, but additional data are needed to prove that conclusively. Therefore, this variant has been classified as Likely Pathogenic. Algorithms developed to predict the effect of sequence changes on RNA splicing suggest that this variant may disrupt the consensus splice site. This variant has not been reported in the literature in individuals affected with ATP6V1B1-related conditions. This variant is not present in population databases (gnomAD no frequency). This sequence change affects a donor splice site in intron 3 of the ATP6V1B1 gene. It is expected to disrupt RNA splicing. Variants that disrupt the donor or acceptor splice site typically lead to a loss of protein function (PMID: 16199547), and loss-of-function variants in ATP6V1B1 are known to be pathogenic (PMID: 9916796, 18368028).

Literature cited by the submitters: PubMed 16199547; PubMed 9916796; PubMed 18368028.